The following is an entry in ClinVar:

NM_004068.4(AP2M1):c.424-9G>A

Gene: AP2M1 (adaptor related protein complex 2 subunit mu 1; plus strand). Cytogenetic location: 3q27.1.
Variant type: single nucleotide variant.
Coding change: c.424-9G>A on transcript NM_004068.4 (MANE Select); 9 bases into the intron before coding-DNA position 424, G replaced by A.
Molecular consequence: intron variant.
Genome position (GRCh38, 1-based): chr3:184,180,636, G>A. VCF-style: chr3-184180636-G-A. GRCh37 (hg19) VCF-style: chr3-183898424-G-A.
Other names: c.499-9G>A (NM_001311198.2); c.424-213G>A (NM_001025205.2).
Identifiers: ClinVar variation 2796612 (VCV002796612.3), dbSNP rs2473722832, ClinGen allele CA437324537.

ClinVar aggregate classification (germline): Uncertain significance (1 of 4 stars; one submission).

Allele frequency attached by ClinVar (database versions not stated): gnomAD exomes below 0.00001.
gnomAD v4.1: 2 of 1,614,024 alleles (0.00012%); highest among the groups gnomAD compares: Non-Finnish European, 0.00017%; no homozygotes.

Submission:

Labcorp Genetics (formerly Invitae), Labcorp
Classification: Uncertain significance. Last evaluated: 2023-11-11. Review status: criteria provided, single submitter. Criteria: Invitae Variant Classification Sherloc (09022015). Collection method: clinical testing. Allele origin: germline.
Comment: This sequence change falls in intron 4 of the AP2M1 gene. It does not directly change the encoded amino acid sequence of the AP2M1 protein. This variant is not present in population databases (gnomAD no frequency). This variant has not been reported in the literature in individuals affected with AP2M1-related conditions. Algorithms developed to predict the effect of sequence changes on RNA splicing suggest that this variant may create or strengthen a splice site. In summary, the available evidence is currently insufficient to determine the role of this variant in disease. Therefore, it has been classified as a Variant of Uncertain Significance.